The following is an entry in ClinVar:

NM_001204.7(BMPR2):c.413C>T (p.Pro138Leu)

Gene: BMPR2 (bone morphogenetic protein receptor type 2; plus strand). Cytogenetic location: 2q33.1.
Variant type: single nucleotide variant.
Coding change: c.413C>T on transcript NM_001204.7 (MANE Select); coding-DNA position 413, C replaced by T.
Protein change: p.Pro138Leu; replaces proline 138 with leucine.
Molecular consequence: missense variant.
Genome position (GRCh38, 1-based): chr2:202,467,684, C>T. VCF-style: chr2-202467684-C-T. GRCh37 (hg19) VCF-style: chr2-203332407-C-T.
Other names: short protein forms P138L.
Identifiers: ClinVar variation 3824877 (VCV003824877.1).

ClinVar aggregate classification (germline): Uncertain significance (1 of 4 stars; one submission).

Conditions:
Inborn genetic diseases. Identifiers: MedGen C0950123, MeSH D030342.

Submission:

Ambry Genetics
Classification: Uncertain significance for Inborn genetic diseases. Last evaluated: 2025-02-04. Review status: criteria provided, single submitter. Criteria: Ambry Variant Classification Scheme 2023. Collection method: clinical testing. Allele origin: germline.
Comment: The p.P138L variant (also known as c.413C>T), located in coding exon 3 of the BMPR2 gene, results from a C to T substitution at nucleotide position 413. The proline at codon 138 is replaced by leucine, an amino acid with similar properties. This amino acid position is conserved. In addition, this alteration is predicted to be tolerated by in silico analysis. Based on the available evidence, the clinical significance of this variant remains unclear.